The following is an entry in ClinVar:

NM_032447.5(FBN3):c.7724C>T (p.Ser2575Leu)

Gene: FBN3 (fibrillin 3; minus strand). Cytogenetic location: 19p13.2.
Variant type: single nucleotide variant.
Coding change: c.7724C>T on transcript NM_032447.5 (MANE Select); coding-DNA position 7724, C replaced by T.
Protein change: p.Ser2575Leu; replaces serine 2575 with leucine.
Molecular consequence: missense variant.
Genome position (GRCh38, 1-based): chr19:8,073,276, G>A on the plus strand (C>T on the coding strand, the complement: FBN3 is on the minus strand). VCF-style: chr19-8073276-G-A. GRCh37 (hg19) VCF-style: chr19-8138160-G-A.
Other names: c.7724C>T, p.Ser2575Leu (NM_001321431.2); short protein forms S2575L.
Identifiers: ClinVar variation 2467458 (VCV002467458.5), dbSNP rs771566504, ClinGen allele CA9150762.

ClinVar aggregate classification (germline): Uncertain significance. Review status: criteria provided, multiple submitters, no conflicts (2 of 4 stars). 2 submissions from 2 submitters: Uncertain significance (2). Last evaluated 2025-12-10.

Allele frequency attached by ClinVar (database versions not stated): gnomAD exomes 0.00001; gnomAD 0.00011; ExAC 0.00001; TOPMed 0.00015.
gnomAD v4.1: 39 of 1,613,684 alleles (0.0024%); highest among the groups gnomAD compares: Admixed American, 0.032%; no homozygotes.

Submissions (2):

Labcorp Genetics (formerly Invitae), Labcorp
Classification: Uncertain significance. Last evaluated: 2025-12-10. Review status: criteria provided, single submitter. Criteria: Invitae Variant Classification Sherloc (09022015). Collection method: clinical testing. Allele origin: germline.
Comment: This sequence change replaces serine, which is neutral and polar, with leucine, which is neutral and non-polar, at codon 2575 of the FBN3 protein (p.Ser2575Leu). This variant is present in population databases (rs771566504, gnomAD 0.02%). This variant has not been reported in the literature in individuals affected with FBN3-related conditions. ClinVar contains an entry for this variant (Variation ID: 2467458). Invitae Evidence Modeling of protein sequence and biophysical properties (such as structural, functional, and spatial information, amino acid conservation, physicochemical variation, residue mobility, and thermodynamic stability) indicates that this missense variant is not expected to disrupt FBN3 protein function with a negative predictive value of 80%. In summary, the available evidence is currently insufficient to determine the role of this variant in disease. Therefore, it has been classified as a Variant of Uncertain Significance.

Ambry Genetics
Classification: Uncertain significance. Last evaluated: 2023-02-22. Review status: criteria provided, single submitter. Criteria: Ambry Variant Classification Scheme 2023. Collection method: clinical testing. Allele origin: germline.